The following is an entry in ClinVar:

NM_000092.5(COL4A4):c.1829G>A (p.Gly610Asp)

Gene: COL4A4 (collagen type IV alpha 4 chain; minus strand). Cytogenetic location: 2q36.3.
Variant type: single nucleotide variant.
Coding change: c.1829G>A on transcript NM_000092.5 (MANE Select); coding-DNA position 1829, G replaced by A.
Protein change: p.Gly610Asp; replaces glycine 610 with aspartic acid.
Molecular consequence: missense variant.
Genome position (GRCh38, 1-based): chr2:227,078,052, C>T on the plus strand (G>A on the coding strand, the complement: COL4A4 is on the minus strand). VCF-style: chr2-227078052-C-T. GRCh37 (hg19) VCF-style: chr2-227942768-C-T.
Other names: short protein forms G610D.
Identifiers: ClinVar variation 1492673 (VCV001492673.9), dbSNP rs2150477193, ClinGen allele CA350845524.

ClinVar aggregate classification (germline): Uncertain significance. Review status: criteria provided, multiple submitters, no conflicts (2 of 4 stars). 2 submissions from 2 submitters: Uncertain significance (2). Last evaluated 2025-06-12.

Submissions (2):

Labcorp Genetics (formerly Invitae), Labcorp
Classification: Uncertain significance. Last evaluated: 2025-06-12. Review status: criteria provided, single submitter. Criteria: Invitae Variant Classification Sherloc (09022015). Collection method: clinical testing. Allele origin: germline.
Comment: This sequence change replaces glycine, which is neutral and non-polar, with aspartic acid, which is acidic and polar, at codon 610 of the COL4A4 protein (p.Gly610Asp). This variant is not present in population databases (gnomAD no frequency). This variant has not been reported in the literature in individuals affected with COL4A4-related conditions. ClinVar contains an entry for this variant (Variation ID: 1492673). Invitae Evidence Modeling of protein sequence and biophysical properties (such as structural, functional, and spatial information, amino acid conservation, physicochemical variation, residue mobility, and thermodynamic stability) indicates that this missense variant is expected to disrupt COL4A4 protein function with a positive predictive value of 95%. In summary, the available evidence is currently insufficient to determine the role of this variant in disease. Therefore, it has been classified as a Variant of Uncertain Significance.

Women's Health and Genetics/Laboratory Corporation of America, LabCorp
Classification: Uncertain significance. Last evaluated: 2024-06-03. Review status: criteria provided, single submitter. Criteria: LabCorp Variant Classification Summary - May 2015. Collection method: clinical testing. Allele origin: germline.
Comment: Variant summary: COL4A4 c.1829G>A (p.Gly610Asp) results in a non-conservative amino acid change of the encoded protein sequence. Five of five in-silico tools predict a damaging effect of the variant on protein function. The frequency data for this variant in gnomAD is considered unreliable, as metrics indicate poor data quality at this position. To our knowledge, no occurrence of c.1829G>A in individuals affected with Alport Syndrome, Autosomal Recessive and no experimental evidence demonstrating its impact on protein function have been reported. ClinVar contains an entry for this variant (Variation ID: 1492673). Based on the evidence outlined above, the variant was classified as uncertain significance.